The following is an entry in ClinVar:

NC_000001.10:g.(?_861322)_(879533_?)dup

Gene: SAMD11 (sterile alpha motif domain containing 11; plus strand). Cytogenetic location: 1p36.33.
Variant type: Duplication.
Identifiers: ClinVar variation 3248027 (VCV003248027.1).

ClinVar aggregate classification (germline): Uncertain significance (1 of 4 stars; one submission).

Submission:

Labcorp Genetics (formerly Invitae), Labcorp
Classification: Uncertain significance. Last evaluated: 2023-11-27. Review status: criteria provided, single submitter. Criteria: Invitae Variant Classification Sherloc (09022015). Collection method: clinical testing. Allele origin: unknown.
Comment: A copy number gain of the genomic region encompassing the full coding sequence of the SAMD11 gene has been identified. The boundaries of this event are unknown as they extend beyond the assayed region for this gene and therefore may encompass additional genes. As the precise location of this event is unknown, it may be in tandem or it may be located elsewhere in the genome. This variant has not been reported in the literature in individuals affected with SAMD11-related conditions. In summary, the available evidence is currently insufficient to determine the role of this variant in disease. Therefore, it has been classified as a Variant of Uncertain Significance.